The following is an entry in ClinVar:

NM_015368.4(PANX1):c.519A>G (p.Pro173=)

Gene: PANX1 (pannexin 1; plus strand). Cytogenetic location: 11q21.
Variant type: single nucleotide variant.
Coding change: c.519A>G on transcript NM_015368.4 (MANE Select); coding-DNA position 519, A replaced by G.
Protein change: p.Pro173=; no amino-acid change (proline 173 retained).
Molecular consequence: synonymous variant.
Genome position (GRCh38, 1-based): chr11:94,178,566, A>G. VCF-style: chr11-94178566-A-G. GRCh37 (hg19) VCF-style: chr11-93911732-A-G.
Identifiers: ClinVar variation 3039980 (VCV003039980.2), dbSNP rs1310511658, ClinGen allele CA476405833.

ClinVar aggregate classification (germline): Likely benign (0 of 4 stars; one submission).

Conditions:
PANX1-related disorder. Also called: PANX1-related condition.

Allele frequency attached by ClinVar (database versions not stated): gnomAD exomes 0.00001.
gnomAD v4.1: 7 of 1,613,944 alleles (0.00043%); highest among the groups gnomAD compares: Non-Finnish European, 0.00059%; no homozygotes.

Submission:

PreventionGenetics, part of Exact Sciences
Classification: Likely benign for PANX1-related condition. Last evaluated: 2019-09-10. Review status: no assertion criteria provided. Collection method: clinical testing. Allele origin: germline.
Comment: This variant is classified as likely benign based on ACMG/AMP sequence variant interpretation guidelines (Richards et al. 2015 PMID: 25741868, with internal and published modifications).